The following is an entry in ClinVar:

ClinVar aggregate classification (germline): Uncertain significance (1 of 4 stars; one submission).

Conditions:
Developmental and epileptic encephalopathy, 11 (DEE11). Also called: Early infantile epileptic encephalopathy 11. Identifiers: Orphanet 1934, MedGen C3150987, MONDO:0013388, OMIM 613721.

Submission:

Neuberg Centre For Genomic Medicine, NCGM
Classification: Uncertain significance for Developmental and epileptic encephalopathy, 11. Review status: criteria provided, single submitter. Criteria: ACMG Guidelines, 2015. Collection method: clinical testing. Allele origin: germline. Inheritance: Autosomal dominant inheritance. Affected: yes.
Comment: The observed missense c.4724C>T(p.Thr1575Ile) variant in SCN2A gene has not been reported previously as a pathogenic variant nor as a benign variant, to our knowledge. The p.Thr1575Ile variant is absent in gnomAD Exomes database. This variant has not been submitted to the ClinVar database. Multiple lines of computational evidence (Polyphen - Probably Damaging, SIFT - Damaging and MutationTaster - Disease causing) predict damaging effect on protein structure and function for this variant. The reference amino acid in SCN2A is predicted as conserved by GERP++ and PhyloP across 100 vertebrates. The amino acid Thr at position 1575 is changed to a Ile changing protein sequence and it might alter its composition and physico-chemical properties. For these reasons, this variant has been classified as Uncertain Significance (VUS).

NM_001040142.2(SCN2A):c.4724C>T (p.Thr1575Ile)

Gene: SCN2A (sodium voltage-gated channel alpha subunit 2; plus strand). Cytogenetic location: 2q24.3.
Variant type: single nucleotide variant.
Coding change: c.4724C>T on transcript NM_001040142.2 (MANE Select); coding-DNA position 4724, C replaced by T.
Protein change: p.Thr1575Ile; replaces threonine 1575 with isoleucine.
Molecular consequence: missense variant.
Genome position (GRCh38, 1-based): chr2:165,386,918, C>T. VCF-style: chr2-165386918-C-T. GRCh37 (hg19) VCF-style: chr2-166243428-C-T.
Other names: c.4724C>T, p.Thr1575Ile (NM_001040143.2, NM_001371246.1, NM_001371247.1 and 1 more transcripts); short protein forms T1575I.
Identifiers: ClinVar variation 3377698 (VCV003377698.1).